The following is an entry in ClinVar:

ClinVar aggregate classification (germline): Uncertain significance (1 of 4 stars; one submission).

Conditions:
Charcot-Marie-Tooth disease type 2. Also called: Charcot-Marie-Tooth type 2. Identifiers: Orphanet 64746, MedGen C0270914, MONDO:0018993.

gnomAD v4.1: 2 of 1,614,228 alleles (0.00012%); highest among the groups gnomAD compares: African/African-American, 0.0027%; no homozygotes.

Submission:

Labcorp Genetics (formerly Invitae), Labcorp
Classification: Uncertain significance for Charcot-Marie-Tooth disease type 2. Last evaluated: 2022-07-29. Review status: criteria provided, single submitter. Criteria: Invitae Variant Classification Sherloc (09022015). Collection method: clinical testing. Allele origin: germline.
Comment: In summary, the available evidence is currently insufficient to determine the role of this variant in disease. Therefore, it has been classified as a Variant of Uncertain Significance. Algorithms developed to predict the effect of missense changes on protein structure and function are either unavailable or do not agree on the potential impact of this missense change (SIFT: "Tolerated"; PolyPhen-2: "Probably Damaging"; Align-GVGD: "Class C0"). This variant has not been reported in the literature in individuals affected with MFN2-related conditions. This variant is not present in population databases (gnomAD no frequency). This sequence change replaces serine, which is neutral and polar, with arginine, which is basic and polar, at codon 729 of the MFN2 protein (p.Ser729Arg).

NM_014874.4(MFN2):c.2187C>A (p.Ser729Arg)

Gene: MFN2 (mitofusin 2; plus strand). Cytogenetic location: 1p36.22.
Variant type: single nucleotide variant.
Coding change: c.2187C>A on transcript NM_014874.4 (MANE Select); coding-DNA position 2187, C replaced by A.
Protein change: p.Ser729Arg; replaces serine 729 with arginine.
Molecular consequence: missense variant.
Genome position (GRCh38, 1-based): chr1:12,009,709, C>A. VCF-style: chr1-12009709-C-A. GRCh37 (hg19) VCF-style: chr1-12069766-C-A.
Other names: c.2187C>A, p.Ser729Arg (NM_001127660.2); short protein forms S729R.
Identifiers: ClinVar variation 2149679 (VCV002149679.4), dbSNP rs2523123057, ClinGen allele CA338453363.
Genomic context (GRCh38, chr1:12,009,709, plus strand): 5'-CCTGGAGCAGGAAATTGCCGCCATGAACAAGAAAATTGAGGTTCTTGACTCACTTCAGAG[C>A]AAAGCAAAGCTGCTCAGGTGAGGCTGGCCCGTGTGGCCAAAGGTTAGGGCTCCAGGGTGC-3'
Protein context (NP_055689.1, residues 719-739): KKIEVLDSLQ[Ser729Arg]KAKLLRNKAG